The following is an entry in ClinVar:

NM_001433705.1(NLRP5):c.2294+122A>G

Gene: NLRP5 (NLR family pyrin domain containing 5; plus strand). Cytogenetic location: 19q13.43.
Variant type: single nucleotide variant.
Coding change: c.2294+122A>G on transcript NM_001433705.1 (MANE Select); 122 bases into the intron after coding-DNA position 2294, A replaced by G.
Molecular consequence: intron variant.
Genome position (GRCh38, 1-based): chr19:56,032,903, A>G. VCF-style: chr19-56032903-A-G. GRCh37 (hg19) VCF-style: chr19-56544269-A-G.
Other names: NM_153447.4:c.2447+122A>G.
Identifiers: ClinVar variation 103283 (VCV000103283.2), dbSNP rs199475778, ClinGen allele CA230366.

ClinVar aggregate classification (germline): not provided (0 of 4 stars; one submission).

Allele frequency attached by ClinVar (database versions not stated): gnomAD 0.00004 and 0.00005; gnomAD exomes below 0.00001; TOPMed 0.00002.
gnomAD v4.1: 7 of 969,710 alleles (0.00072%); highest among the groups gnomAD compares: African/African-American, 0.011%; no homozygotes.

Submission:

Human Evolutionary Genetics, Institut Pasteur
No classification provided. Review status: no classification provided. Collection method: not provided. Allele origin: germline.
ClinVar note: Converted during submission from untested to not provided.